The following is an entry in ClinVar:

NM_024649.5(BBS1):c.908T>C (p.Val303Ala)

Genes: BBS1 (Bardet-Biedl syndrome 1; plus strand), ZDHHC24 (zDHHC palmitoyltransferase 24; minus strand). Cytogenetic location: 11q13.2.
Variant type: single nucleotide variant.
Coding change: c.908T>C on transcript NM_024649.5 (MANE Select); coding-DNA position 908, T replaced by C.
Protein change: p.Val303Ala; replaces valine 303 with alanine.
Molecular consequence: missense variant. On other transcripts: intron variant (1).
Genome position (GRCh38, 1-based): chr11:66,523,533, T>C. VCF-style: chr11-66523533-T-C. GRCh37 (hg19) VCF-style: chr11-66291004-T-C.
Other names: c.*22-2067A>G (NM_001348571.2); c.908T>C (NM_024649.4); short protein forms V303A.
Identifiers: ClinVar variation 1339331 (VCV001339331.8), dbSNP rs750668484, ClinGen allele CA6123547.
Genomic context (GRCh38, chr11:66,523,533, plus strand): 5'-AGTACTGCATCGAGCTGAGCGCCCAGCCTGTGGGACTTATCCGGGTACACAAGGTCCTAG[T>C]GGTGGGCAGCACCCAAGACAGCCTGCATGGCTTCACCCACAAGGTGCAGCCCCCAGCAAG-3'
Protein context (NP_078925.3, residues 293-313): VGLIRVHKVL[Val303Ala]VGSTQDSLHG

ClinVar aggregate classification (germline): Uncertain significance. Review status: criteria provided, multiple submitters, no conflicts (2 of 4 stars). 4 submissions from 4 submitters: Uncertain significance (4). Last evaluated 2026-05-07.

Conditions:
Bardet-Biedl syndrome 1 (BBS1). Identifiers: MedGen C2936862, MONDO:0008854, OMIM 209900. Disease mechanism: loss of function.
BBS1-related disorder. Also called: BBS1-related condition.
Retinal dystrophy. Also called: Inherited retinal dystrophy. Identifiers: Orphanet 71862, MedGen C0854723, MeSH D058499, MONDO:0019118, HP:0000556.
Bardet-Biedl syndrome (BBS). Identifiers: Orphanet 110, MedGen C0752166, MONDO:0015229.

Allele frequency attached by ClinVar (database versions not stated): gnomAD 0.00001; gnomAD exomes 0.00004; ExAC 0.00005; TOPMed 0.00004.
gnomAD v4.1: 66 of 1,614,118 alleles (0.0041%); highest among the groups gnomAD compares: East Asian, 0.051%; 1 homozygote.

Submissions (4):

PreventionGenetics, part of Exact Sciences
Classification: Uncertain significance for BBS1-related condition. Last evaluated: 2026-05-07. Review status: criteria provided, single submitter. Criteria: ACMG Guidelines, 2015. Collection method: clinical testing. Allele origin: germline.
Comment: The BBS1 c.908T>C variant is predicted to result in the amino acid substitution p.Val303Ala. To our knowledge, this variant has not been reported in the literature. This variant is reported in 0.029% of alleles in individuals of South Asian descent in gnomAD. At this time, the clinical significance of this variant is uncertain due to the absence of conclusive functional and genetic evidence.

Labcorp Genetics (formerly Invitae), Labcorp
Classification: Uncertain significance for Bardet-Biedl syndrome. Last evaluated: 2024-01-24. Review status: criteria provided, single submitter. Criteria: Invitae Variant Classification Sherloc (09022015). Collection method: clinical testing. Allele origin: germline.
Comment: This sequence change replaces valine, which is neutral and non-polar, with alanine, which is neutral and non-polar, at codon 303 of the BBS1 protein (p.Val303Ala). This variant is present in population databases (rs750668484, gnomAD 0.03%). This variant has not been reported in the literature in individuals affected with BBS1-related conditions. ClinVar contains an entry for this variant (Variation ID: 1339331). Advanced modeling of protein sequence and biophysical properties (such as structural, functional, and spatial information, amino acid conservation, physicochemical variation, residue mobility, and thermodynamic stability) performed at Invitae indicates that this missense variant is not expected to disrupt BBS1 protein function with a negative predictive value of 80%. In summary, the available evidence is currently insufficient to determine the role of this variant in disease. Therefore, it has been classified as a Variant of Uncertain Significance.

Dept Of Ophthalmology, Nagoya University
Classification: Uncertain significance for Retinal dystrophy. Last evaluated: 2023-10-01. Review status: criteria provided, single submitter. Criteria: Submitter's publication. Collection method: research. Allele origin: germline. Affected: yes.

Molecular Endocrinology Laboratory, Christian Medical College
Classification: Uncertain significance for Bardet-Biedl syndrome 1. Review status: criteria provided, single submitter. Criteria: ACMG Guidelines, 2015. Collection method: clinical testing. Allele origin: germline. Affected: yes.